The following is an entry in ClinVar:

ClinVar aggregate classification (germline): Pathogenic (1 of 4 stars; one submission).

Submission:

Labcorp Genetics (formerly Invitae), Labcorp
Classification: Pathogenic. Last evaluated: 2025-06-16. Review status: criteria provided, single submitter. Criteria: Invitae Variant Classification Sherloc (09022015). Collection method: clinical testing. Allele origin: germline.
Comment: This sequence change replaces asparagine, which is neutral and polar, with serine, which is neutral and polar, at codon 99 of the TUBB2A protein (p.Asn99Ser). This variant is not present in population databases (gnomAD no frequency). This missense change has been observed in individual(s) with clinical features of cortical malformation syndrome (internal data). In at least one individual the variant was observed to be de novo. ClinVar contains an entry for this variant (Variation ID: 1369968). Invitae Evidence Modeling of protein sequence and biophysical properties (such as structural, functional, and spatial information, amino acid conservation, physicochemical variation, residue mobility, and thermodynamic stability) indicates that this missense variant is expected to disrupt TUBB2A protein function with a positive predictive value of 80%. For these reasons, this variant has been classified as Pathogenic.

NM_001069.3(TUBB2A):c.296A>G (p.Asn99Ser)

Gene: TUBB2A (tubulin beta 2A class IIa; minus strand). Cytogenetic location: 6p25.2.
Variant type: single nucleotide variant.
Coding change: c.296A>G on transcript NM_001069.3 (MANE Select); coding-DNA position 296, A replaced by G.
Protein change: p.Asn99Ser; replaces asparagine 99 with serine.
Molecular consequence: missense variant.
Genome position (GRCh38, 1-based): chr6:3,154,905, T>C on the plus strand (A>G on the coding strand, the complement: TUBB2A is on the minus strand). VCF-style: chr6-3154905-T-C. GRCh37 (hg19) VCF-style: chr6-3155139-T-C.
Other names: c.41A>G, p.Asn14Ser (NM_001310315.2); short protein forms N14S, N99S.
Identifiers: ClinVar variation 1369968 (VCV001369968.8), dbSNP rs2113785705, ClinGen allele CA362593067.